The following is an entry in ClinVar:

ClinVar aggregate classification (germline): Likely benign. Review status: criteria provided, multiple submitters, no conflicts (2 of 4 stars). 3 submissions from 3 submitters: Likely benign (3). Last evaluated 2024-12-04.

Conditions:
RYR1-related disorder. Also called: RYR1-related disorders; RYR1-related condition. Identifiers: MedGen CN239331.
Malignant hyperthermia, susceptibility to, 1 (MHS1). Also called: Malignant hyperthermia suceptibility 1; Anesthesia related hyperthermia; Malignant hyperpyrexia; Fulminating hyperpyrexia; Pharmacogenic myopathy; RYR1-Related Malignant Hyperthermia Susceptibility. Identifiers: Orphanet 423, MedGen C2930980, MONDO:0007783, OMIM 145600.

Submissions (3):

Labcorp Genetics (formerly Invitae), Labcorp
Classification: Likely benign for RYR1-related disorder. Last evaluated: 2024-12-04. Review status: criteria provided, single submitter. Criteria: Invitae Variant Classification Sherloc (09022015). Collection method: clinical testing. Allele origin: germline.

All of Us Research Program, National Institutes of Health
Classification: Likely benign for Malignant hyperthermia, susceptibility to, 1. Last evaluated: 2024-02-05. Review status: criteria provided, single submitter. Criteria: ACMG Guidelines, 2015. Collection method: clinical testing. Allele origin: germline. Inheritance: Autosomal dominant inheritance. Observed: 1 variant allele, 1 heterozygote.
Comment: This study involves interpretation of variants in research participants for the purpose of population health screening. Participant phenotype was not available at the time of variant classification. Additional details can be found in publication PMID: 35346344, PMCID: PMC8962531

Blueprint Genetics
Classification: Likely benign. Last evaluated: 2020-10-13. Review status: criteria provided, single submitter. Criteria: ACMG Guidelines, 2015. Collection method: clinical testing. Allele origin: germline.

NM_000540.3(RYR1):c.1099C>A (p.Arg367=)

Gene: RYR1 (ryanodine receptor 1; plus strand). Cytogenetic location: 19q13.2.
Variant type: single nucleotide variant.
Coding change: c.1099C>A on transcript NM_000540.3 (MANE Select); coding-DNA position 1099, C replaced by A.
Protein change: p.Arg367=; no amino-acid change (arginine 367 retained).
Molecular consequence: synonymous variant.
Genome position (GRCh38, 1-based): chr19:38,448,790, C>A. VCF-style: chr19-38448790-C-A. GRCh37 (hg19) VCF-style: chr19-38939430-C-A.
Other names: c.1099C>A, p.Arg367= (NM_001042723.2).
Identifiers: ClinVar variation 3075395 (VCV003075395.4), dbSNP rs140037232, ClinGen allele CA507352405.